The following is an entry in ClinVar:

ClinVar aggregate classification (germline): Uncertain significance (1 of 4 stars; one submission).

Conditions:
Cardiovascular phenotype. Identifiers: MedGen CN230736.

gnomAD v4.1: 1 of 1,613,778 alleles (0.000062%); highest among the groups gnomAD compares: Non-Finnish European, 0.000085%; no homozygotes.

Submission:

Ambry Genetics
Classification: Uncertain significance for Cardiovascular phenotype. Last evaluated: 2023-06-18. Review status: criteria provided, single submitter. Criteria: Ambry Variant Classification Scheme 2023. Collection method: clinical testing. Allele origin: germline.
Comment: The p.R257L variant (also known as c.770G>T), located in coding exon 7 of the SPRED1 gene, results from a G to T substitution at nucleotide position 770. The arginine at codon 257 is replaced by leucine, an amino acid with dissimilar properties. This amino acid position is conserved. In addition, the in silico prediction for this alteration is inconclusive. Since supporting evidence is limited at this time, the clinical significance of this alteration remains unclear.

NM_152594.3(SPRED1):c.770G>T (p.Arg257Leu)

Gene: SPRED1 (sprouty related EVH1 domain containing 1; plus strand). Cytogenetic location: 15q14.
Variant type: single nucleotide variant.
Coding change: c.770G>T on transcript NM_152594.3 (MANE Select); coding-DNA position 770, G replaced by T.
Protein change: p.Arg257Leu; replaces arginine 257 with leucine.
Molecular consequence: missense variant.
Genome position (GRCh38, 1-based): chr15:38,351,099, G>T. VCF-style: chr15-38351099-G-T. GRCh37 (hg19) VCF-style: chr15-38643300-G-T.
Other names: short protein forms R257L.
Identifiers: ClinVar variation 2587849 (VCV002587849.2), dbSNP rs750832911, ClinGen allele CA391933202.
Genomic context (GRCh38, chr15:38,351,099, plus strand): 5'-TCAGCTTTCAAGATGAGGATGAGATTGTCAGAATAAACCCTCGAGATATCTTAATACGTC[G>T]CTATGCAGACTACAGACATCCTGACATGTGGAAAAATGACTTGGAAAGAGATGATGCTGA-3'
Protein context (NP_689807.1, residues 247-267): RINPRDILIR[Arg257Leu]YADYRHPDMW